The following is an entry in ClinVar:

ClinVar aggregate classification (germline): Pathogenic. Review status: reviewed by expert panel (3 of 4 stars). 7 submissions from 7 submitters: Pathogenic (1). 6 of the submissions do not count toward it. Last evaluated 2023-08-04.

Conditions:
Blepharocheilodontic syndrome 1 (BCDS1). Identifiers: Orphanet 1997, MedGen C4551988, MONDO:0054740, OMIM 119580.
Hereditary diffuse gastric adenocarcinoma (HDGC). Also called: DIFFUSE GASTRIC AND LOBULAR BREAST CANCER SYNDROME. Identifiers: Orphanet 26106, MedGen C1708349, MONDO:0007648, OMIM 137215.
Endometrial carcinoma. Also called: Endometrial carcinoma, somatic. Identifiers: MedGen C0476089, MONDO:0002447, OMIM 608089, HP:0012114.
Ovarian neoplasm. Also called: Neoplasm of ovary; Ovarian tumor; Ovarian Neoplasms. Identifiers: MedGen C0919267, MeSH D010051, MONDO:0021068, HP:0100615.
Prostate cancer. Also called: Malignant tumor of prostate. Identifiers: Orphanet 1331, MedGen C0376358, MONDO:0008315, HP:0012125.
Familial cancer of breast. Also called: hereditary breast carcinoma; BREAST CANCER, FAMILIAL; Hereditary breast cancer. Identifiers: Orphanet 227535, MedGen C0346153, MONDO:0016419, OMIM 114480. Disease mechanism: loss of function.
CDH1-related diffuse gastric and lobular breast cancer syndrome. Also called: CDH1-related diffuse gastric and lobular breast cancer. Identifiers: MedGen CN311521, MONDO:0100488.
Hereditary cancer-predisposing syndrome. Also called: Hereditary neoplastic syndrome; Hereditary Cancer Syndrome; Neoplastic Syndromes, Hereditary; Tumor predisposition. Identifiers: Orphanet 140162, MedGen C0027672, MeSH D009386, MONDO:0015356.

Submissions (7):

Clingen Gastric Cancer Variant Curation Expert Panel
Classification: Pathogenic for CDH1-related diffuse gastric and lobular breast cancer syndrome. Last evaluated: 2023-08-04. Review status: reviewed by expert panel. Criteria: ClinGen CDH1 ACMG Specifications V3.1. Collection method: curation. Allele origin: germline. Inheritance: Autosomal dominant inheritance.
Comment: The c.1354_1357delCTAC p.(Leu452fs) variant is predicted to result in a premature stop codon that leads to nonsense mediate decay (PVS1 and PM5_supporting). The variant is absent in the gnomAD cohort (PM2_supporting). Therefore, this variant meets criteria to be classified as pathogenic based on the ACMG/AMP criteria applied as specified by the CDH1 Variant Curation Expert Panel (CDH1 VCEP specifications version 3.1): PVS1, PM2_supporting, PM5_supporting.

Ambry Genetics
Classification: Pathogenic for Hereditary cancer-predisposing syndrome. Last evaluated: 2024-10-27. Review status: criteria provided, single submitter. Criteria: Ambry Variant Classification Scheme 2023. Collection method: clinical testing. Allele origin: germline. Not counted in ClinVar's aggregate classification.
Comment: The c.1354_1357delCTAC pathogenic mutation, located in coding exon 10 of the CDH1 gene, results from a deletion of 4 nucleotides at nucleotide positions 1354 to 1357, causing a translational frameshift with a predicted alternate stop codon (p.L452Tfs*2). This variant is considered to be rare based on population cohorts in the Genome Aggregation Database (gnomAD). This alteration is expected to result in loss of function by premature protein truncation or nonsense-mediated mRNA decay. As such, this alteration is interpreted as a disease-causing mutation.

Baylor Genetics
Classification: Likely pathogenic for Familial cancer of breast. Last evaluated: 2023-12-22. Review status: criteria provided, single submitter. Criteria: ACMG Guidelines, 2015. Collection method: clinical testing. Allele origin: unknown. Not counted in ClinVar's aggregate classification.

Myriad Genetics, Inc.
Classification: Pathogenic for Hereditary diffuse gastric adenocarcinoma. Last evaluated: 2023-06-13. Review status: criteria provided, single submitter. Criteria: Myriad Autosomal Dominant, Autosomal Recessive and X-Linked Classification Criteria (2023). Collection method: clinical testing. Allele origin: unknown. Not counted in ClinVar's aggregate classification.
Comment: This variant is considered pathogenic. This variant creates a frameshift predicted to result in premature protein truncation.

Labcorp Genetics (formerly Invitae), Labcorp
Classification: Pathogenic for Hereditary diffuse gastric adenocarcinoma. Last evaluated: 2023-04-04. Review status: criteria provided, single submitter. Criteria: Invitae Variant Classification Sherloc (09022015). Collection method: clinical testing. Allele origin: germline. Not counted in ClinVar's aggregate classification.
Comment: ClinVar contains an entry for this variant (Variation ID: 265543). This sequence change creates a premature translational stop signal (p.Leu452Thrfs*2) in the CDH1 gene. It is expected to result in an absent or disrupted protein product. Loss-of-function variants in CDH1 are known to be pathogenic (PMID: 15235021, 20373070). This variant is not present in population databases (gnomAD no frequency). This variant has not been reported in the literature in individuals affected with CDH1-related conditions. For these reasons, this variant has been classified as Pathogenic.

Fulgent Genetics
Classification: Pathogenic for Familial cancer of breast; Blepharocheilodontic syndrome 1; Hereditary diffuse gastric adenocarcinoma; Ovarian cancer; Familial prostate cancer; Endometrial carcinoma. Last evaluated: 2021-12-20. Review status: criteria provided, single submitter. Criteria: ACMG Guidelines, 2015. Collection method: clinical testing. Allele origin: unknown. Not counted in ClinVar's aggregate classification.

GeneDx
Classification: Likely pathogenic. Last evaluated: 2017-11-20. Review status: criteria provided, single submitter. Criteria: GeneDx Variant Classification (06012015). Collection method: clinical testing. Allele origin: germline. Affected: yes. Not counted in ClinVar's aggregate classification.
Comment: This deletion of four nucleotides in CDH1 is denoted c.1354_1357delCTAC at the cDNA level and p.Leu452ThrfsX2 (L452TfsX2) at the protein level. The normal sequence, with the bases that are deleted in brackets, is CATT[delCTAC]ACGT. The deletion causes a frameshift, which changes a Leucine to a Threonine at codon 452, and creates a premature stop codon at position 2 of the new reading frame. Although this variant has not, to our knowledge, been reported in the literature, it is predicted to cause loss of normal protein function through either protein truncation or nonsense-mediated mRNA decay. Based on the currently available information, we consider this deletion to be a likely pathogenic variant.

Literature cited by the submitters: PubMed 15235021 (cited by Labcorp Genetics (formerly Invitae), Labcorp); PubMed 20373070 (cited by Labcorp Genetics (formerly Invitae), Labcorp).

NM_004360.5(CDH1):c.1354_1357del (p.Leu452fs)

Gene: CDH1 (cadherin 1; plus strand). Cytogenetic location: 16q22.1.
Variant type: Deletion.
Coding change: c.1354_1357del on transcript NM_004360.5 (MANE Select); coding-DNA positions 1354 to 1357, 4 bases deleted (CTAC; older notation c.1354_1357delCTAC).
Protein change: p.Leu452fs; shifts the reading frame from leucine 452.
Molecular consequence: frameshift variant. On other transcripts: 5 prime UTR variant (2).
Genome position (GRCh38, 1-based): chr16:68,815,548-68,815,551, CTAC deleted. VCF-style (leftmost placement, unchanged base first): chr16-68815547-TCTAC-T. GRCh37 (hg19) VCF-style: chr16-68849450-TCTAC-T.
Other names: c.1354_1357del (LRG_301t1); c.1171_1174del, p.Leu391fs (NM_001317184.2); c.-195_-192del (NM_001317185.2); c.-466_-463del (NM_001317186.2); short protein forms L391fs, L452fs.
Identifiers: ClinVar variation 265543 (VCV000265543.18), dbSNP rs886039612, ClinGen allele CA10588623.